The following is an entry in ClinVar:

NM_000321.3(RB1):c.2071G>A (p.Glu691Lys)

Gene: RB1 (RB transcriptional corepressor 1; plus strand). Cytogenetic location: 13q14.2.
Variant type: single nucleotide variant.
Coding change: c.2071G>A on transcript NM_000321.3 (MANE Select); coding-DNA position 2071, G replaced by A.
Protein change: p.Glu691Lys; replaces glutamic acid 691 with lysine.
Molecular consequence: missense variant.
Genome position (GRCh38, 1-based): chr13:48,459,798, G>A. VCF-style: chr13-48459798-G-A. GRCh37 (hg19) VCF-style: chr13-49033934-G-A.
Other names: short protein forms E691K.
Identifiers: ClinVar variation 643308 (VCV000643308.8), dbSNP rs1593534748, ClinGen allele CA388166897.

ClinVar aggregate classification (germline): Uncertain significance (1 of 4 stars; one submission).

Conditions:
Retinoblastoma (RB1). Also called: RETINOBLASTOMA, SOMATIC. Identifiers: Orphanet 790, MedGen C0035335, MeSH D012175, MONDO:0008380, OMIM 180200, HP:0009919. Disease mechanism: loss of function. Inheritance: Both sporadic and heritable forms are tested..

Submission:

Labcorp Genetics (formerly Invitae), Labcorp
Classification: Uncertain significance for Retinoblastoma. Last evaluated: 2022-01-12. Review status: criteria provided, single submitter. Criteria: Invitae Variant Classification Sherloc (09022015). Collection method: clinical testing. Allele origin: germline.
Comment: This sequence change replaces glutamic acid, which is acidic and polar, with lysine, which is basic and polar, at codon 691 of the RB1 protein (p.Glu691Lys). This variant is not present in population databases (gnomAD no frequency). This variant has not been reported in the literature in individuals affected with RB1-related conditions. ClinVar contains an entry for this variant (Variation ID: 643308). Algorithms developed to predict the effect of missense changes on protein structure and function (SIFT, PolyPhen-2, Align-GVGD) all suggest that this variant is likely to be disruptive. In summary, the available evidence is currently insufficient to determine the role of this variant in disease. Therefore, it has been classified as a Variant of Uncertain Significance.